The following is an entry in ClinVar:

NM_003737.4(DCHS1):c.1807A>G (p.Thr603Ala)

Gene: DCHS1 (dachsous cadherin-related 1; minus strand). Cytogenetic location: 11p15.4.
Variant type: single nucleotide variant.
Coding change: c.1807A>G on transcript NM_003737.4 (MANE Select); coding-DNA position 1807, A replaced by G.
Protein change: p.Thr603Ala; replaces threonine 603 with alanine.
Molecular consequence: missense variant.
Genome position (GRCh38, 1-based): chr11:6,634,297, T>C on the plus strand (A>G on the coding strand, the complement: DCHS1 is on the minus strand). VCF-style: chr11-6634297-T-C. GRCh37 (hg19) VCF-style: chr11-6655528-T-C.
Other names: short protein forms T603A.
Identifiers: ClinVar variation 2792461 (VCV002792461.3), dbSNP rs1195600157, ClinGen allele CA379428183.

ClinVar aggregate classification (germline): Uncertain significance (1 of 4 stars; one submission).

Allele frequency attached by ClinVar (database versions not stated): gnomAD exomes below 0.00001.
gnomAD v4.1: 1 of 1,599,840 alleles (0.000063%); highest among the groups gnomAD compares: Admixed American, 0.0017%; no homozygotes.

Submission:

Labcorp Genetics (formerly Invitae), Labcorp
Classification: Uncertain significance. Last evaluated: 2022-12-30. Review status: criteria provided, single submitter. Criteria: Invitae Variant Classification Sherloc (09022015). Collection method: clinical testing. Allele origin: germline.
Comment: In summary, the available evidence is currently insufficient to determine the role of this variant in disease. Therefore, it has been classified as a Variant of Uncertain Significance. Advanced modeling of protein sequence and biophysical properties (such as structural, functional, and spatial information, amino acid conservation, physicochemical variation, residue mobility, and thermodynamic stability) performed at Invitae indicates that this missense variant is not expected to disrupt DCHS1 protein function. This variant has not been reported in the literature in individuals affected with DCHS1-related conditions. The frequency data for this variant in the population databases is considered unreliable, as metrics indicate poor data quality at this position in the gnomAD database. This sequence change replaces threonine, which is neutral and polar, with alanine, which is neutral and non-polar, at codon 603 of the DCHS1 protein (p.Thr603Ala).